The following is an entry in ClinVar:

ClinVar aggregate classification (germline): Pathogenic (1 of 4 stars; one submission).

Conditions:
Congenital heart defects, multiple types, 2 (CHTD2). Also called: Congenital heart defects, nonsyndromic, 2. Identifiers: Orphanet 664401, MedGen C3554279, MONDO:0014000, OMIM 614980.

Submission:

Victorian Clinical Genetics Services, Murdoch Childrens Research Institute
Classification: Pathogenic for Congenital heart defects, multiple types, 2. Last evaluated: 2024-09-23. Review status: criteria provided, single submitter. Criteria: ACMG Guidelines, 2015. Collection method: clinical testing. Allele origin: germline. Inheritance: Autosomal dominant inheritance. Affected: yes.
Comment: Based on the classification scheme VCGS_Germline_v1.3.4, this variant is classified as Pathogenic. Following criteria are met: 0103 - Loss of function (LoF) and gain of function (GoF) are known mechanisms of disease in this gene. LoF is associated with congenital heart defects (CHD), nonsyndromic, 2 (MIM#614980) and congenital heart defects, multiple types, 2 (MONDO:0014000), while partial LoF appears to be associated with an emerging developmental delay and hypotonia syndrome with mild or no CHD (PMID: 36229919). GoF has an emerging association with frontometaphyseal dysplasia; however, this has currently only been observed in two individuals (PMID: 36229919). (I) 0107 - This gene is associated with autosomal dominant disease. (I) 0201 - Variant is predicted to cause nonsense-mediated decay (NMD) and loss of protein (premature termination codon is located at least 54 nucleotides upstream of the final exon-exon junction). (SP) 0251 - This variant is heterozygous. (I) 0301 - Variant is absent from gnomAD (both v2 and v3). (SP) 0701 - Many other NMD-predicted variants comparable to the one identified in this case have very strong previous evidence for pathogenicity (DECIPHER). (SP) 0807 - This variant has no previous evidence of pathogenicity. (I) 0905 - No published segregation evidence has been identified for this variant. (I) 1007 - No published functional evidence has been identified for this variant. (I) Legend: (SP) - Supporting pathogenic, (I) - Information, (SB) - Supporting benign

Literature cited by the submitters: PubMed 36229919.

NM_001292034.3(TAB2):c.1813_1814delinsC (p.Asp605fs)

Gene: TAB2 (TGF-beta activated kinase 1 (MAP3K7) binding protein 2; plus strand). Cytogenetic location: 6q25.1.
Variant type: Indel.
Coding change: c.1813_1814delinsC on transcript NM_001292034.3 (MANE Select); coding-DNA positions 1813 to 1814, GA replaced by C.
Protein change: p.Asp605fs; shifts the reading frame from aspartic acid 605.
Molecular consequence: frameshift variant.
Genome position (GRCh38, 1-based): chr6:149,398,017-149,398,018, GA replaced by C. VCF-style: chr6-149398017-GA-C. GRCh37 (hg19) VCF-style: chr6-149719153-GA-C.
Other names: c.1717_1718delinsC, p.Asp573fs (NM_001292035.3); c.1813_1814delinsC, p.Asp605fs (NM_001369506.1, NM_015093.6); short protein forms D573fs, D605fs.
Identifiers: ClinVar variation 3255073 (VCV003255073.2), dbSNP rs2483489255.
Genomic context (GRCh38, chr6:149,398,017, plus strand): 5'-ATTATTTTTCAGCTTGAAGAAATGCAGCAGCTGAGAAGTTGTAATAGACAACTCCAGATT[GA>C]CATTGACTGCTTAACCAAAGAAATTGATCTTTTTCAAGCCCGAGGTAAAGTTCAGTGTAT-3'